The following is an entry in ClinVar:

NM_001351132.2(PEX5):c.531_534dup (p.Thr179fs)

Gene: PEX5 (peroxisomal biogenesis factor 5; plus strand). Cytogenetic location: 12p13.31.
Variant type: Duplication.
Coding change: c.531_534dup on transcript NM_001351132.2 (MANE Select); coding-DNA positions 531 to 534, 4 bases duplicated (GGGA; older notation c.531_534dupGGGA).
Protein change: p.Thr179fs; shifts the reading frame from threonine 179.
Molecular consequence: frameshift variant.
Genome position (GRCh38, 1-based): chr12:7,199,093-7,199,096, GGGA duplicated; duplicating any 4 consecutive bases within chr12:7,199,091-7,199,096 gives the same sequence; the c. name uses the placement nearest the transcript's 3' end. VCF-style (leftmost placement, unchanged base first): chr12-7199090-T-TGAGG. GRCh37 (hg19) VCF-style: chr12-7351686-T-TGAGG.
Other names: c.531_534dup, p.Thr179fs (NM_000319.5, NM_001131024.2, NM_001131025.2 and 19 more transcripts); c.576_579dup, p.Thr194fs (NM_001131023.2, NM_001351135.3, NM_001351138.2); short protein forms T179fs, T194fs.
Identifiers: ClinVar variation 1074777 (VCV001074777.7), dbSNP rs2136075415, ClinGen allele CA2499221846.

ClinVar aggregate classification (germline): Pathogenic (1 of 4 stars; one submission).

Conditions:
Peroxisome biogenesis disorder 2B (PBD2B). Identifiers: Orphanet 44, MedGen C3550234, MONDO:0008736, OMIM 202370.

Submission:

Labcorp Genetics (formerly Invitae), Labcorp
Classification: Pathogenic for Peroxisome biogenesis disorder 2B. Last evaluated: 2020-10-02. Review status: criteria provided, single submitter. Criteria: Invitae Variant Classification Sherloc (09022015). Collection method: clinical testing. Allele origin: germline.
Comment: This variant is not present in population databases (ExAC no frequency). This sequence change creates a premature translational stop signal (p.Thr179Glyfs*9) in the PEX5 gene. It is expected to result in an absent or disrupted protein product. For these reasons, this variant has been classified as Pathogenic. Loss-of-function variants in PEX5 are known to be pathogenic (PMID: 18712838, 21031596). This variant has not been reported in the literature in individuals with PEX5-related conditions.

Literature cited by the submitters: PubMed 18712838; PubMed 21031596.